The following is an entry in ClinVar:

ClinVar aggregate classification (germline): Likely pathogenic (1 of 4 stars; one submission).

Conditions:
Biotinidase deficiency. Also called: BTD deficiency; Late-onset biotin-responsive multiple carboxylase deficiency; Biotin deficiency. Identifiers: Orphanet 79241, MedGen C0220754, MONDO:0009665, OMIM 253260.

Submission:

Natera, Inc.
Classification: Likely pathogenic for Biotinidase deficiency. Last evaluated: 2024-03-26. Review status: criteria provided, single submitter. Criteria: Natera Variant Classification Schema (03/2026). Collection method: clinical testing. Allele origin: germline.
Comment: The c.1334_1335delGGinsTT variant in BTD is a deletion-insertion (delins) variant predicted to replace one or more nucleotides with a different sequence. This variant is rare in the general population with a frequency below the threshold expected for the associated phenotype(s). Another variant at this same site results in an alteration predicted to cause a similar molecular effect has been observed in individual(s) with the associated phenotype. A different variant at the same position has been determined to be Pathogenic or Likely Pathogenic. Given the available evidence, this variant is classified as Likely Pathogenic.

NM_000060.4:c.1334_1335delGGinsTT

Variant type: Indel.
Other names: c.1334_1335delGGinsTT (NM_000060.4).
Identifiers: ClinVar variation 4815957 (VCV004815957.1).